The following is an entry in ClinVar:

NM_014956.5(CEP164):c.2464T>G (p.Ser822Ala)

Gene: CEP164 (centrosomal protein 164; plus strand). Cytogenetic location: 11q23.3.
Variant type: single nucleotide variant.
Coding change: c.2464T>G on transcript NM_014956.5 (MANE Select); coding-DNA position 2464, T replaced by G.
Protein change: p.Ser822Ala; replaces serine 822 with alanine.
Molecular consequence: missense variant.
Genome position (GRCh38, 1-based): chr11:117,392,598, T>G. VCF-style: chr11-117392598-T-G. GRCh37 (hg19) VCF-style: chr11-117263314-T-G.
Other names: c.2473T>G, p.Ser825Ala (NM_001271933.2); c.2464T>G (NM_014956.4); short protein forms S822A, S825A.
Identifiers: ClinVar variation 1015791 (VCV001015791.8), dbSNP rs750842640, ClinGen allele CA6295069.

ClinVar aggregate classification (germline): Uncertain significance. Review status: criteria provided, multiple submitters, no conflicts (2 of 4 stars). 3 submissions from 3 submitters: Uncertain significance (3). Last evaluated 2026-05-08.

Conditions:
CEP164-related disorder. Also called: CEP164-related condition.
Nephronophthisis 15 (NPHP15). Identifiers: Orphanet 3156, MedGen C3541853, MONDO:0013917, OMIM 614845.

Allele frequency attached by ClinVar (database versions not stated): gnomAD exomes below 0.00001; ExAC 0.00001; gnomAD 0.00002; TOPMed 0.00002.
gnomAD v4.1: 4 of 1,613,948 alleles (0.00025%); highest among the groups gnomAD compares: African/African-American, 0.0027%; no homozygotes.

Submissions (3):

PreventionGenetics, part of Exact Sciences
Classification: Uncertain significance for CEP164-related condition. Last evaluated: 2026-05-08. Review status: criteria provided, single submitter. Criteria: ACMG Guidelines, 2015. Collection method: clinical testing. Allele origin: germline.
Comment: The CEP164 c.2464T>G variant is predicted to result in the amino acid substitution p.Ser822Ala. To our knowledge, this variant has not been reported in the literature. This variant is reported in 0.0080% of alleles in individuals of African descent in gnomAD. At this time, the clinical significance of this variant is uncertain due to the absence of conclusive functional and genetic evidence.

Labcorp Genetics (formerly Invitae), Labcorp
Classification: Uncertain significance for Nephronophthisis 15. Last evaluated: 2025-11-12. Review status: criteria provided, single submitter. Criteria: Invitae Variant Classification Sherloc (09022015). Collection method: clinical testing. Allele origin: germline.
Comment: This sequence change replaces serine, which is neutral and polar, with alanine, which is neutral and non-polar, at codon 822 of the CEP164 protein (p.Ser822Ala). This variant is present in population databases (rs750842640, gnomAD 0.004%). This variant has not been reported in the literature in individuals affected with CEP164-related conditions. ClinVar contains an entry for this variant (Variation ID: 1015791). Invitae Evidence Modeling of protein sequence and biophysical properties (such as structural, functional, and spatial information, amino acid conservation, physicochemical variation, residue mobility, and thermodynamic stability) indicates that this missense variant is not expected to disrupt CEP164 protein function with a negative predictive value of 80%. In summary, the available evidence is currently insufficient to determine the role of this variant in disease. Therefore, it has been classified as a Variant of Uncertain Significance.

Fulgent Genetics
Classification: Uncertain significance for Nephronophthisis 15. Last evaluated: 2024-03-27. Review status: criteria provided, single submitter. Criteria: ACMG Guidelines, 2015. Collection method: clinical testing. Allele origin: germline.